The following is an entry in ClinVar:

ClinVar aggregate classification (germline): Benign (0 of 4 stars; one submission).

Conditions:
JMJD7-PLA2G4B-related disorder. Also called: JMJD7-PLA2G4B-related condition.

Allele frequency attached by ClinVar (database versions not stated): 1000 Genomes Project 0.01198; 1000 Genomes Project 30x 0.01312; TOPMed 0.02954; gnomAD 0.03065; ESP Exome Variant Server 0.03112; ExAC 0.04064; gnomAD exomes 0.04623.

Submission:

PreventionGenetics, part of Exact Sciences
Classification: Benign for JMJD7-PLA2G4B-related condition. Last evaluated: 2019-12-06. Review status: no assertion criteria provided. Collection method: clinical testing. Allele origin: germline.
Comment: This variant is classified as benign based on ACMG/AMP sequence variant interpretation guidelines (Richards et al. 2015 PMID: 25741868, with internal and published modifications).

NM_005090.4(JMJD7-PLA2G4B):c.20A>G (p.Glu7Gly)

Genes: JMJD7 (jumonji domain containing 7; plus strand), JMJD7-PLA2G4B (JMJD7-PLA2G4B readthrough; plus strand), LOC112272587 (Sharpr-MPRA regulatory region 5929; plus strand). Cytogenetic location: 15q15.1.
Variant type: single nucleotide variant.
Coding change: c.20A>G on transcript NM_005090.4; coding-DNA position 20, A replaced by G.
Protein change: p.Glu7Gly; replaces glutamic acid 7 with glycine.
Molecular consequence: missense variant.
Genome position (GRCh38, 1-based): chr15:41,828,144, A>G. VCF-style: chr15-41828144-A-G. GRCh37 (hg19) VCF-style: chr15-42120342-A-G.
Other names: c.20A>G, p.Glu7Gly (NM_001114632.2, NM_001198588.2); short protein forms E7G.
Identifiers: ClinVar variation 3056209 (VCV003056209.2), dbSNP rs151053095, ClinGen allele CA7498888.